The following is an entry in ClinVar:

ClinVar aggregate classification (germline): Uncertain significance (1 of 4 stars; one submission).

Conditions:
Inborn genetic diseases. Identifiers: MedGen C0950123, MeSH D030342.

Allele frequency attached by ClinVar (database versions not stated): TOPMed below 0.00001.

Submission:

Ambry Genetics
Classification: Uncertain significance for Hereditary disease. Last evaluated: 2016-06-30. Review status: criteria provided, single submitter. Criteria: ambry_reporting_categories_2017. Collection method: clinical testing. Allele origin: germline. Affected: yes. Observed: 1 heterozygote. Segregation with disease observed.
Comment: Lines of evidence used in support of classification: UNCERTAIN: Alteration(s) of Uncertain Clinical Significance Detected

Literature cited by the submitters: PubMed 20493457; PubMed 25631096; PubMed 25477152; PubMed 19344873; PubMed 22632975; PubMed 24896178; PubMed 22258530; PubMed 19348700; PubMed 23390136; PubMed 22656320; PubMed 22159418; PubMed 25613900; PubMed 17331725; PubMed 22429196; PubMed 25108116; PubMed 28567303; PubMed 29050398.

NM_001130438.3(SPTAN1):c.21A>T (p.Lys7Asn)

Gene: SPTAN1 (spectrin alpha, non-erythrocytic 1; plus strand). Cytogenetic location: 9q34.11.
Variant type: single nucleotide variant.
Coding change: c.21A>T on transcript NM_001130438.3 (MANE Select); coding-DNA position 21, A replaced by T.
Protein change: p.Lys7Asn; replaces lysine 7 with asparagine.
Molecular consequence: missense variant.
Genome position (GRCh38, 1-based): chr9:128,566,761, A>T. VCF-style: chr9-128566761-A-T. GRCh37 (hg19) VCF-style: chr9-131329040-A-T.
Other names: c.21A>T, p.Lys7Asn (NM_001195532.2, NM_001363759.2, NM_001363765.2 and 1 more transcripts); short protein forms K7N.
Identifiers: ClinVar variation 521110 (VCV000521110.3), dbSNP rs1554735370, ClinGen allele CA375049336.